The following is an entry in ClinVar:

NM_004064.5(CDKN1B):c.185dup (p.Asp63fs)

Gene: CDKN1B (cyclin dependent kinase inhibitor 1B; plus strand). Cytogenetic location: 12p13.1.
Variant type: Duplication.
Coding change: c.185dup on transcript NM_004064.5 (MANE Select); coding-DNA position 185, one base duplicated (T; older notation c.185dupT).
Protein change: p.Asp63fs; shifts the reading frame from aspartic acid 63.
Molecular consequence: frameshift variant.
Genome position (GRCh38, 1-based): chr12:12,718,024, T duplicated; the last of 3 consecutive T bases (chr12:12,718,022-12,718,024); duplicating any one gives the same sequence. VCF-style (leftmost placement, unchanged base first): chr12-12718021-A-AT. GRCh37 (hg19) VCF-style: chr12-12870955-A-AT.
Other names: short protein forms D63fs.
Identifiers: ClinVar variation 1453444 (VCV001453444.6), dbSNP rs2136355734, ClinGen allele CA2573147860.

ClinVar aggregate classification (germline): Pathogenic (1 of 4 stars; one submission).

Conditions:
Multiple endocrine neoplasia type 4. Also called: MULTIPLE ENDOCRINE NEOPLASIA, TYPE IV. Identifiers: Orphanet 276152, MedGen C1970712, MONDO:0012552, OMIM 610755.

Submission:

Labcorp Genetics (formerly Invitae), Labcorp
Classification: Pathogenic for Multiple endocrine neoplasia type 4. Last evaluated: 2023-08-07. Review status: criteria provided, single submitter. Criteria: Invitae Variant Classification Sherloc (09022015). Collection method: clinical testing. Allele origin: germline.
Comment: This sequence change creates a premature translational stop signal (p.Asp63Argfs*62) in the CDKN1B gene. It is expected to result in an absent or disrupted protein product. Loss-of-function variants in CDKN1B are known to be pathogenic (PMID: 17030811, 24819502). This variant is not present in population databases (gnomAD no frequency). This variant has not been reported in the literature in individuals affected with CDKN1B-related conditions. ClinVar contains an entry for this variant (Variation ID: 1453444). For these reasons, this variant has been classified as Pathogenic.

Literature cited by the submitters: PubMed 17030811; PubMed 24819502.